The following is an entry in ClinVar:

NM_016138.5(COQ7):c.563A>G (p.His188Arg)

Gene: COQ7 (coenzyme Q7, hydroxylase; plus strand). Cytogenetic location: 16p12.3.
Variant type: single nucleotide variant.
Coding change: c.563A>G on transcript NM_016138.5 (MANE Select); coding-DNA position 563, A replaced by G.
Protein change: p.His188Arg; replaces histidine 188 with arginine.
Molecular consequence: missense variant. On other transcripts: non-coding transcript variant (3), intron variant (3).
Genome position (GRCh38, 1-based): chr16:19,077,361, A>G. VCF-style: chr16-19077361-A-G. GRCh37 (hg19) VCF-style: chr16-19088683-A-G.
Other names: c.449A>G, p.His150Arg (NM_001190983.2, NM_001370492.1, NM_001370493.1 and 1 more transcripts); c.521A>G, p.His174Arg (NM_001370489.1); c.508-720A>G (NM_001370490.1); c.394-720A>G (NM_001370495.1); c.466-720A>G (NM_001370491.1); short protein forms H150R, H174R, H188R.
Identifiers: ClinVar variation 2187215 (VCV002187215.1), dbSNP rs764492269, ClinGen allele CA7933069.

ClinVar aggregate classification (germline): Uncertain significance (1 of 4 stars; one submission).

Allele frequency attached by ClinVar (database versions not stated): gnomAD 0.00003; gnomAD exomes 0.00003; TOPMed 0.00004; ExAC 0.00018.

Submission:

Labcorp Genetics (formerly Invitae), Labcorp
Classification: Uncertain significance. Last evaluated: 2022-06-02. Review status: criteria provided, single submitter. Criteria: Invitae Variant Classification Sherloc (09022015). Collection method: clinical testing. Allele origin: germline.
Comment: This sequence change replaces histidine, which is basic and polar, with arginine, which is basic and polar, at codon 188 of the COQ7 protein (p.His188Arg). This variant is present in population databases (rs764492269, gnomAD 0.06%). This variant has not been reported in the literature in individuals affected with COQ7-related conditions. Algorithms developed to predict the effect of missense changes on protein structure and function are either unavailable or do not agree on the potential impact of this missense change (SIFT: "Deleterious"; PolyPhen-2: "Benign"; Align-GVGD: "Class C25"). In summary, the available evidence is currently insufficient to determine the role of this variant in disease. Therefore, it has been classified as a Variant of Uncertain Significance.